The following is an entry in ClinVar:

ClinVar aggregate classification (germline): Uncertain significance. Review status: criteria provided, multiple submitters, no conflicts (2 of 4 stars). 4 submissions from 4 submitters: Uncertain significance (4). Last evaluated 2025-02-08.

Conditions:
Inborn genetic diseases. Identifiers: MedGen C0950123, MeSH D030342.

Allele frequency attached by ClinVar (database versions not stated): TOPMed 0.00001; ExAC 0.00002; gnomAD 0.00002 and 0.00003; gnomAD exomes 0.00002.

Submissions (4):

Ambry Genetics
Classification: Uncertain significance for Inborn genetic diseases. Last evaluated: 2025-02-08. Review status: criteria provided, single submitter. Criteria: Ambry Variant Classification Scheme 2023. Collection method: clinical testing. Allele origin: germline.

Labcorp Genetics (formerly Invitae), Labcorp
Classification: Uncertain significance. Last evaluated: 2024-08-04. Review status: criteria provided, single submitter. Criteria: Invitae Variant Classification Sherloc (09022015). Collection method: clinical testing. Allele origin: germline.
Comment: This sequence change replaces threonine, which is neutral and polar, with alanine, which is neutral and non-polar, at codon 152 of the SSR4 protein (p.Thr152Ala). This variant is present in population databases (rs782385685, gnomAD 0.004%). This variant has not been reported in the literature in individuals affected with SSR4-related conditions. ClinVar contains an entry for this variant (Variation ID: 373487). An algorithm developed to predict the effect of missense changes on protein structure and function outputs the following: PolyPhen-2: "Not Available". The alanine amino acid residue is found in multiple mammalian species, which suggests that this missense change does not adversely affect protein function. In summary, the available evidence is currently insufficient to determine the role of this variant in disease. Therefore, it has been classified as a Variant of Uncertain Significance.

Institute for Clinical Genetics, University Hospital TU Dresden, University Hospital TU Dresden
Classification: Uncertain significance. Last evaluated: 2021-11-03. Review status: criteria provided, single submitter. Criteria: ACMG Guidelines, 2015. Collection method: clinical testing. Allele origin: germline.

GeneDx
Classification: Uncertain significance. Last evaluated: 2016-12-02. Review status: criteria provided, single submitter. Criteria: GeneDx Variant Classification (06012015). Collection method: clinical testing. Allele origin: germline. Affected: yes.
Comment: The T152A variant in the SSR4 gene has not been reported previously as a pathogenic variant, nor as a benign variant, to our knowledge. The T152A variant was not observed in approximately 6500 individuals of European and African American ancestry in the NHLBI Exome Sequencing Project, indicating it is not a common benign variant in these populations. The T152A variant is a non-conservative amino acid substitution, which is likely to impact secondary protein structure as these residues differ in polarity, charge, size and/or other properties. However this substitution occurs at a position that is not conserved, and in silico analysis is inconsistent in its predictions as to whether or not the variant is damaging to the protein structure/function. Therefore, we interpret T152A as a variant of uncertain significance

NM_006280.3(SSR4):c.421A>G (p.Thr141Ala)

Gene: SSR4 (signal sequence receptor subunit 4; plus strand). Cytogenetic location: Xq28.
Variant type: single nucleotide variant.
Coding change: c.421A>G on transcript NM_006280.3 (MANE Select); coding-DNA position 421, A replaced by G.
Protein change: p.Thr141Ala; replaces threonine 141 with alanine.
Molecular consequence: missense variant.
Genome position (GRCh38, 1-based): chrX:153,798,332, A>G. VCF-style: chrX-153798332-A-G. GRCh37 (hg19) VCF-style: chrX-153063787-A-G.
Other names: c.454A>G, p.Thr152Ala (NM_001204526.2); c.445A>G, p.Thr149Ala (NM_001204527.2); c.445A>G (NM_001204527.1); short protein forms T149A, T152A, T141A.
Identifiers: ClinVar variation 373487 (VCV000373487.9), dbSNP rs782385685, ClinGen allele CA10553382.